The following is an entry in ClinVar:

NM_001099271.2(POC5):c.1162dup (p.Tyr388fs)

Gene: POC5 (POC5 centriolar protein; minus strand). Cytogenetic location: 5q13.3.
Variant type: Duplication.
Coding change: c.1162dup on transcript NM_001099271.2 (MANE Select); coding-DNA position 1162, one base duplicated (T; older notation c.1162dupT).
Protein change: p.Tyr388fs; shifts the reading frame from tyrosine 388.
Molecular consequence: frameshift variant.
Genome position (GRCh38, 1-based): chr5:75,685,452, A duplicated on the plus strand (T on the coding strand, the reverse complement: POC5 is on the minus strand). VCF-style (leftmost placement, unchanged base first): chr5-75685451-T-TA. GRCh37 (hg19) VCF-style: chr5-74981276-T-TA.
Other names: c.1087dup, p.Tyr363fs (NM_152408.3); short protein forms Y363fs, Y388fs.
Identifiers: ClinVar variation 4710729 (VCV004710729.1).

ClinVar aggregate classification (germline): Uncertain significance (1 of 4 stars; one submission).

Submission:

Labcorp Genetics (formerly Invitae), Labcorp
Classification: Uncertain significance. Last evaluated: 2025-05-12. Review status: criteria provided, single submitter. Criteria: Invitae Variant Classification Sherloc (09022015). Collection method: clinical testing. Allele origin: germline.
Comment: This sequence change creates a premature translational stop signal (p.Tyr388Leufs*108) in the POC5 gene. It is expected to result in an absent or disrupted protein product. However, the current clinical and genetic evidence is not sufficient to establish whether loss-of-function variants in POC5 cause disease. This variant is present in population databases (rs758910265, gnomAD 0.003%). This variant has not been reported in the literature in individuals affected with POC5-related conditions. In summary, the available evidence is currently insufficient to determine the role of this variant in disease. Therefore, it has been classified as a Variant of Uncertain Significance.